The following is an entry in ClinVar:

ClinVar aggregate classification (germline): Likely benign (1 of 4 stars; one submission).

gnomAD v4.1: 10 of 1,613,506 alleles (0.00062%); highest among the groups gnomAD compares: Non-Finnish European, 0.00076%; no homozygotes.

Submission:

CeGaT Center for Human Genetics Tuebingen
Classification: Likely benign. Last evaluated: 2026-03-01. Review status: criteria provided, single submitter. Criteria: CeGaT Center For Human Genetics Tuebingen Variant Classification Criteria Version 2. Collection method: clinical testing. Allele origin: germline. Affected: yes. Observed: 1 variant allele.
Comment: DST: BP4, BP7

NM_001374736.1(DST):c.5370C>T (p.Asp1790=)

Gene: DST (dystonin; minus strand). Cytogenetic location: 6p12.1.
Variant type: single nucleotide variant.
Coding change: c.5370C>T on transcript NM_001374736.1 (MANE Select); coding-DNA position 5370, C replaced by T.
Protein change: p.Asp1790=; no amino-acid change (aspartic acid 1790 retained).
Molecular consequence: synonymous variant. On other transcripts: intron variant (6).
Genome position (GRCh38, 1-based): chr6:56,609,258, G>A on the plus strand (C>T on the coding strand, the complement: DST is on the minus strand). VCF-style: chr6-56609258-G-A. GRCh37 (hg19) VCF-style: chr6-56474056-G-A.
Other names: c.5370C>T, p.Asp1790= (NM_001374722.1); c.4737C>T, p.Asp1579= (NM_001374729.1); c.5397C>T, p.Asp1799= (NM_001374734.1); c.5184+1169C>T (NM_001144769.5); c.4770+1169C>T (NM_001144770.2); c.4650+1169C>T (NM_001374730.1, NM_001386100.1, NM_183380.4); c.3672+1169C>T (NM_015548.5).
Identifiers: ClinVar variation 4822247 (VCV004822247.4).